The following is an entry in ClinVar:

NM_014413.4(EIF2AK1):c.554G>C (p.Arg185Thr)

Gene: EIF2AK1 (eukaryotic translation initiation factor 2 alpha kinase 1; minus strand). Cytogenetic location: 7p22.1.
Variant type: single nucleotide variant.
Coding change: c.554G>C on transcript NM_014413.4 (MANE Select); coding-DNA position 554, G replaced by C.
Protein change: p.Arg185Thr; replaces arginine 185 with threonine.
Molecular consequence: missense variant.
Genome position (GRCh38, 1-based): chr7:6,046,147, C>G on the plus strand (G>C on the coding strand, the complement: EIF2AK1 is on the minus strand). VCF-style: chr7-6046147-C-G. GRCh37 (hg19) VCF-style: chr7-6085778-C-G.
Other names: c.554G>C, p.Arg185Thr (NM_001134335.2); short protein forms R185T.
Identifiers: ClinVar variation 2178193 (VCV002178193.4), dbSNP rs1475198866, ClinGen allele CA366756154.

ClinVar aggregate classification (germline): Uncertain significance (1 of 4 stars; one submission).

Allele frequency attached by ClinVar (database versions not stated): TOPMed below 0.00001; gnomAD 0.00001; gnomAD exomes 0.00001.
gnomAD v4.1: 10 of 1,525,890 alleles (0.00066%); highest among the groups gnomAD compares: Non-Finnish European, 0.00088%; no homozygotes.

Submission:

Labcorp Genetics (formerly Invitae), Labcorp
Classification: Uncertain significance. Last evaluated: 2022-03-01. Review status: criteria provided, single submitter. Criteria: Invitae Variant Classification Sherloc (09022015). Collection method: clinical testing. Allele origin: germline.
Comment: In summary, the available evidence is currently insufficient to determine the role of this variant in disease. Therefore, it has been classified as a Variant of Uncertain Significance. Algorithms developed to predict the effect of missense changes on protein structure and function are either unavailable or do not agree on the potential impact of this missense change (SIFT: "Deleterious"; PolyPhen-2: "Possibly Damaging"; Align-GVGD: "Class C0"). This variant has not been reported in the literature in individuals affected with EIF2AK1-related conditions. This variant is present in population databases (no rsID available, gnomAD 0.0009%). This sequence change replaces arginine, which is basic and polar, with threonine, which is neutral and polar, at codon 185 of the EIF2AK1 protein (p.Arg185Thr).